The following is an entry in ClinVar:

ClinVar aggregate classification (germline): Uncertain significance (1 of 4 stars; one submission).

Conditions:
PLXNA4-related disorder. Also called: PLXNA4-related condition.

gnomAD v4.1: 92 of 1,606,634 alleles (0.0057%); highest among the groups gnomAD compares: African/African-American, 0.0094%; no homozygotes.

Submission:

PreventionGenetics, part of Exact Sciences
Classification: Uncertain significance for PLXNA4-related condition. Last evaluated: 2026-02-02. Review status: criteria provided, single submitter. Criteria: ACMG Guidelines, 2015. Collection method: clinical testing. Allele origin: germline.
Comment: The PLXNA4 c.1298C>T variant is predicted to result in the amino acid substitution p.Thr433Met. To our knowledge, this variant has not been reported in the literature. This variant is reported in 0.0080% of alleles in individuals of African descent in gnomAD. At this time, the clinical significance of this variant is uncertain due to the absence of conclusive functional and genetic evidence.

NM_020911.2(PLXNA4):c.1298C>T (p.Thr433Met)

Gene: PLXNA4 (plexin A4; minus strand). Cytogenetic location: 7q32.3.
Variant type: single nucleotide variant.
Coding change: c.1298C>T on transcript NM_020911.2 (MANE Select); coding-DNA position 1298, C replaced by T.
Protein change: p.Thr433Met; replaces threonine 433 with methionine.
Molecular consequence: missense variant.
Genome position (GRCh38, 1-based): chr7:132,489,365, G>A on the plus strand (C>T on the coding strand, the complement: PLXNA4 is on the minus strand). VCF-style: chr7-132489365-G-A. GRCh37 (hg19) VCF-style: chr7-132174124-G-A.
Other names: c.1298C>T, p.Thr433Met (NM_001105543.2, NM_001393897.1, NM_181775.4); short protein forms T433M.
Identifiers: ClinVar variation 4988230 (VCV004988230.1).
Genomic context (GRCh38, chr7:132,489,365, plus strand): 5'-CCACTTTTGGTGCCCACAAAGGCCAGAGAGTGGTTCTTGTAGACATATGCGATGACAGAC[G>A]TCATGCGGTCCCTGTCCTCCGTGAAGACGGGAATTCCACGCACCATGTCGGACACTCCCA-3'
Protein context (NP_065962.1, residues 423-443): PVFTEDRDRM[Thr433Met]SVIAYVYKNH